The following is an entry in ClinVar:

ClinVar aggregate classification (germline): Conflicting classifications of pathogenicity. Review status: criteria provided, conflicting classifications (1 of 4 stars). 2 submissions from 2 submitters: Uncertain significance (1); Likely benign (1). Last evaluated 2024-06-18.

Conditions:
Arrhythmogenic right ventricular dysplasia 5. Also called: Arrhythmogenic Right Ventricular Dysplasia/Cardiomyopathy 5; ARRHYTHMOGENIC RIGHT VENTRICULAR DYSPLASIA, FAMILIAL, 5. Identifiers: MedGen C1858379, MONDO:0011459, OMIM 604400.
Cardiomyopathy (CMYO). Also called: Cardiomyopathies. Identifiers: Orphanet 167848, MedGen C0878544, MONDO:0004994, HP:0001638. Inheritance: Various modes of inheritance.

Allele frequency attached by ClinVar (database versions not stated): gnomAD exomes below 0.00001; ExAC 0.00001.
gnomAD v4.1: 6 of 1,599,372 alleles (0.00038%); highest among the groups gnomAD compares: East Asian, 0.0023%; no homozygotes.

Submissions (2):

Labcorp Genetics (formerly Invitae), Labcorp
Classification: Uncertain significance for Arrhythmogenic right ventricular dysplasia 5. Last evaluated: 2024-06-18. Review status: criteria provided, single submitter. Criteria: Invitae Variant Classification Sherloc (09022015). Collection method: clinical testing. Allele origin: germline.
Comment: This sequence change falls in intron 1 of the TMEM43 gene. It does not directly change the encoded amino acid sequence of the TMEM43 protein. It affects a nucleotide within the consensus splice site. This variant is present in population databases (rs751726505, gnomAD 0.006%). This variant has not been reported in the literature in individuals affected with TMEM43-related conditions. Variants that disrupt the consensus splice site are a relatively common cause of aberrant splicing (PMID: 17576681, 9536098). Algorithms developed to predict the effect of sequence changes on RNA splicing suggest that this variant is not likely to affect RNA splicing. In summary, the available evidence is currently insufficient to determine the role of this variant in disease. Therefore, it has been classified as a Variant of Uncertain Significance.

Color Diagnostics, LLC DBA Color Health
Classification: Likely benign for Cardiomyopathy. Last evaluated: 2021-12-20. Review status: criteria provided, single submitter. Criteria: ACMG Guidelines, 2015. Collection method: clinical testing. Allele origin: germline.

Literature cited by the submitters: PubMed 17576681 (cited by Labcorp Genetics (formerly Invitae), Labcorp); PubMed 9536098 (cited by Labcorp Genetics (formerly Invitae), Labcorp).

NM_024334.3(TMEM43):c.13-3C>T

Gene: TMEM43 (transmembrane protein 43; plus strand). Cytogenetic location: 3p25.1.
Variant type: single nucleotide variant.
Coding change: c.13-3C>T on transcript NM_024334.3 (MANE Select); 3 bases into the intron before coding-DNA position 13, C replaced by T.
Molecular consequence: intron variant.
Genome position (GRCh38, 1-based): chr3:14,129,409, C>T. VCF-style: chr3-14129409-C-T. GRCh37 (hg19) VCF-style: chr3-14170909-C-T.
Other names: c.13-3C>T (NM_001407274.1, NM_001407276.1, NM_001407275.1 and 3 more transcripts); c.13-1413C>T (NM_001407280.1).
Identifiers: ClinVar variation 2774585 (VCV002774585.5), dbSNP rs751726505, ClinGen allele CA051667.